The following is an entry in ClinVar:

NM_001387274.1(DCDC1):c.5234-7_5234-6del

Gene: DCDC1 (doublecortin domain containing 1; minus strand). Cytogenetic location: 11p14.1.
Variant type: Deletion.
Coding change: c.5234-7_5234-6del on transcript NM_001387274.1 (MANE Select); 7 bases into the intron before coding-DNA position 5234 through 6 bases into the intron before coding-DNA position 5234, 2 bases deleted (TT; older notation c.5234-7_5234-6delTT).
Molecular consequence: intron variant.
Genome position (GRCh38, 1-based): chr11:30,878,717-30,878,718, AA deleted on the plus strand (TT on the coding strand, the reverse complement: DCDC1 is on the minus strand); deleting any 2 consecutive bases within chr11:30,878,717-30,878,732 gives the same sequence; the c. name uses the placement nearest the transcript's 3' end. VCF-style (leftmost placement, unchanged base first): chr11-30878716-TAA-T. GRCh37 (hg19) VCF-style: chr11-30900263-TAA-T.
Other names: c.5225-7_5225-6del (NM_001367979.1); c.2546-7_2546-6del (NM_020869.4); c.1979-7_1979-6del (NM_001387275.1).
Identifiers: ClinVar variation 3347052 (VCV003347052.1).

ClinVar aggregate classification (germline): Benign (0 of 4 stars; one submission).

Conditions:
DCDC5-related condition.

Submission:

PreventionGenetics, part of Exact Sciences
Classification: Benign for DCDC5-related condition. Last evaluated: 2019-05-15. Review status: no assertion criteria provided. Collection method: clinical testing. Allele origin: germline.
Comment: This variant is classified as benign based on ACMG/AMP sequence variant interpretation guidelines (Richards et al. 2015 PMID: 25741868, with internal and published modifications).